The following is an entry in ClinVar:

ClinVar aggregate classification (germline): Likely pathogenic (1 of 4 stars; one submission).

Conditions:
Nephrotic syndrome, type 2 (NPHS2). Also called: NEPHROTIC SYNDROME, STEROID-RESISTANT, AUTOSOMAL RECESSIVE. Identifiers: Orphanet 656, MedGen C1868672, MONDO:0010974, OMIM 600995.

Submission:

Myriad Genetics, Inc.
Classification: Likely pathogenic for Nephrotic syndrome, type 2. Last evaluated: 2022-05-04. Review status: criteria provided, single submitter. Criteria: Myriad Women's Health Autosomal Recessive and X-Linked Classification Criteria (2021). Collection method: clinical testing. Allele origin: unknown.
Comment: NM_014625.2(NPHS2):c.244delG(A82Rfs*17) is expected to be pathogenic in the context of nephrotic syndrome, NPHS2-related. This variant is predicted to lead to an abnormal or absent protein product due to the creation of a premature termination codon in NPHS2, a gene where loss-of-function variants are known to be pathogenic. Please note: this variant was assessed in the context of healthy population screening.

NM_014625.4(NPHS2):c.244del (p.Ala82fs)

Gene: NPHS2 (NPHS2 stomatin family member, podocin; minus strand). Cytogenetic location: 1q25.2.
Variant type: Deletion.
Coding change: c.244del on transcript NM_014625.4 (MANE Select); coding-DNA position 244, one base deleted (G; older notation c.244delG).
Protein change: p.Ala82fs; shifts the reading frame from alanine 82.
Molecular consequence: frameshift variant.
Genome position (GRCh38, 1-based): chr1:179,575,621, C deleted on the plus strand (G on the coding strand, the reverse complement: NPHS2 is on the minus strand); the first of 2 consecutive C bases (chr1:179,575,621-179,575,622); deleting either gives the same sequence. VCF-style (leftmost placement, unchanged base first): chr1-179575620-GC-G. GRCh37 (hg19) VCF-style: chr1-179544755-GC-G.
Other names: c.244del, p.Ala82fs (NM_001297575.2); short protein forms A82fs.
Identifiers: ClinVar variation 1726015 (VCV001726015.2), dbSNP rs2526376882, ClinGen allele CA2580061516.